The following is an entry in ClinVar:

ClinVar aggregate classification (germline): Uncertain significance. Review status: criteria provided, multiple submitters, no conflicts (2 of 4 stars). 2 submissions from 2 submitters: Uncertain significance (2). Last evaluated 2024-07-29.

Conditions:
Inborn genetic diseases. Identifiers: MedGen C0950123, MeSH D030342.

Allele frequency attached by ClinVar (database versions not stated): gnomAD exomes 0.00001; ExAC 0.00002; TOPMed 0.00002; gnomAD 0.00005.

Submissions (2):

Labcorp Genetics (formerly Invitae), Labcorp
Classification: Uncertain significance. Last evaluated: 2024-07-29. Review status: criteria provided, single submitter. Criteria: Invitae Variant Classification Sherloc (09022015). Collection method: clinical testing. Allele origin: germline.
Comment: This sequence change replaces alanine, which is neutral and non-polar, with valine, which is neutral and non-polar, at codon 162 of the CFB protein (p.Ala162Val). This variant is present in population databases (rs755189304, gnomAD 0.004%). This variant has not been reported in the literature in individuals affected with CFB-related conditions. An algorithm developed to predict the effect of missense changes on protein structure and function (PolyPhen-2) suggests that this variant is likely to be tolerated. In summary, the available evidence is currently insufficient to determine the role of this variant in disease. Therefore, it has been classified as a Variant of Uncertain Significance.

Ambry Genetics
Classification: Uncertain significance for Inborn genetic diseases. Last evaluated: 2023-10-05. Review status: criteria provided, single submitter. Criteria: Ambry Variant Classification Scheme 2023. Collection method: clinical testing. Allele origin: germline.

NM_001710.6(CFB):c.485C>T (p.Ala162Val)

Gene: CFB (complement factor B; plus strand). Cytogenetic location: 6p21.33.
Variant type: single nucleotide variant.
Coding change: c.485C>T on transcript NM_001710.6 (MANE Select); coding-DNA position 485, C replaced by T.
Protein change: p.Ala162Val; replaces alanine 162 with valine.
Molecular consequence: missense variant.
Genome position (GRCh38, 1-based): chr6:31,947,348, C>T. VCF-style: chr6-31947348-C-T. GRCh37 (hg19) VCF-style: chr6-31915125-C-T.
Other names: short protein forms A162V.
Identifiers: ClinVar variation 3143774 (VCV003143774.3), dbSNP rs755189304, ClinGen allele CA3728063.